The following is an entry in ClinVar:

NM_000238.4(KCNH2):c.1558-5C>T

Gene: KCNH2 (potassium voltage-gated channel subfamily H member 2; minus strand). Cytogenetic location: 7q36.1.
Variant type: single nucleotide variant.
Coding change: c.1558-5C>T on transcript NM_000238.4 (MANE Select); 5 bases into the intron before coding-DNA position 1558, C replaced by T.
Molecular consequence: intron variant.
Genome position (GRCh38, 1-based): chr7:150,951,840, G>A on the plus strand (C>T on the coding strand, the complement: KCNH2 is on the minus strand). VCF-style: chr7-150951840-G-A. GRCh37 (hg19) VCF-style: chr7-150648928-G-A.
Other names: p.?; c.1270-5C>T (NM_001406753.1, NM_001406756.1); c.538-5C>T (NM_172057.3, NM_001204798.2); c.1558-5C>T (NM_172056.3); c.1381-5C>T (NM_001406755.1); c.1258-5C>T (NM_001406757.1).
Identifiers: ClinVar variation 218433 (VCV000218433.32), dbSNP rs114186001, ClinGen allele CA028705.

ClinVar aggregate classification (germline): Benign/Likely benign. Review status: criteria provided, multiple submitters, no conflicts (2 of 4 stars). 13 submissions from 13 submitters: Benign (11); Likely benign (2). Last evaluated 2026-09-21.

Conditions:
Cardiovascular phenotype. Identifiers: MedGen CN230736.
Cardiac arrhythmia. Also called: Cardiac rhythm disease; Arrhythmia. Identifiers: MedGen C0003811, MONDO:0007263, HP:0011675.
Long QT syndrome (LQTS). Identifiers: MedGen C0023976, MeSH D008133, MONDO:0002442. Disease mechanism: loss of function. Inheritance: Various modes of inheritance.
Long QT syndrome 2 (LQT2). Identifiers: Orphanet 101016, Orphanet 768, MedGen C3150943, MONDO:0013367, OMIM 613688.

Allele frequency attached by ClinVar (database versions not stated): 1000 Genomes Project 0.00719; ESP Exome Variant Server 0.00708; ExAC 0.00202; gnomAD 0.00598 and 0.00642; 1000 Genomes Project 30x 0.00812; gnomAD exomes 0.00160; TOPMed 0.00662.
gnomAD v4.1: 1,761 of 1,566,134 alleles (0.11%); highest among the groups gnomAD compares: African/African-American, 2.2%; 12 homozygotes.

Submissions (13):

Molecular Diagnostic Laboratory for Inherited Cardiovascular Disease, Montreal Heart Institute
Classification: Benign. Last evaluated: 2026-09-21. Review status: criteria provided, single submitter. Criteria: ACMG Guidelines, 2015. Collection method: clinical testing. Allele origin: germline. Affected: no.

Labcorp Genetics (formerly Invitae), Labcorp
Classification: Benign for Long QT syndrome. Last evaluated: 2026-02-03. Review status: criteria provided, single submitter. Criteria: Invitae Variant Classification Sherloc (09022015). Collection method: clinical testing. Allele origin: germline.

ARUP Laboratories, Molecular Genetics and Genomics, ARUP Laboratories
Classification: Benign. Last evaluated: 2025-04-14. Review status: criteria provided, single submitter. Criteria: ARUP Molecular Germline Variant Investigation Process 2024. Collection method: clinical testing. Allele origin: germline.

Mayo Clinic Laboratories, Mayo Clinic
Classification: Benign. Last evaluated: 2024-10-17. Review status: criteria provided, single submitter. Criteria: ACMG Guidelines, 2015. Collection method: clinical testing. Allele origin: germline. Observed: 8 variant alleles.
Comment: BS1, BS2, BP4

Blueprint Genetics
Classification: Likely benign. Last evaluated: 2024-09-27. Review status: criteria provided, single submitter. Criteria: ACMG Guidelines, 2015. Collection method: clinical testing. Allele origin: germline.

All of Us Research Program, National Institutes of Health
Classification: Benign for Long QT syndrome. Last evaluated: 2024-02-05. Review status: criteria provided, single submitter. Criteria: ACMG Guidelines, 2015. Collection method: clinical testing. Allele origin: germline. Inheritance: Autosomal dominant inheritance. Observed: 356 variant alleles, 352 heterozygotes, 4 homozygotes.
Comment: This study involves interpretation of variants in research participants for the purpose of population health screening. Participant phenotype was not available at the time of variant classification. Additional details can be found in publication PMID: 35346344, PMCID: PMC8962531

Athena Diagnostics
Classification: Benign. Last evaluated: 2019-05-29. Review status: criteria provided, single submitter. Criteria: Athena Diagnostics Criteria. Collection method: clinical testing. Allele origin: germline.

Color Diagnostics, LLC DBA Color Health
Classification: Benign for Arrhythmia. Last evaluated: 2018-03-09. Review status: criteria provided, single submitter. Criteria: ACMG Guidelines, 2015. Collection method: clinical testing. Allele origin: germline.

Illumina Laboratory Services, Illumina
Classification: Benign for Long QT syndrome 2. Last evaluated: 2018-01-12. Review status: criteria provided, single submitter. Criteria: ICSL Variant Classification Criteria 13 December 2019. Collection method: clinical testing. Allele origin: germline.
Comment: This variant was observed in the ICSL laboratory as part of a predisposition screen in an ostensibly healthy population. It had not been previously curated by ICSL or reported in the Human Gene Mutation Database (HGMD: prior to June 1st, 2018), and was therefore a candidate for classification through an automated scoring system. Utilizing variant allele frequency, disease prevalence and penetrance estimates, and inheritance mode, an automated score was calculated to assess if this variant is too frequent to cause the disease. Based on the score and internal cut-off values, a variant classified as benign is not then subjected to further curation. The score for this variant resulted in a classification of benign for this disease.

Women's Health and Genetics/Laboratory Corporation of America, LabCorp
Classification: Benign. Last evaluated: 2016-03-07. Review status: criteria provided, single submitter. Criteria: LabCorp Variant Classification Summary - May 2015. Collection method: clinical testing. Allele origin: germline.

Ambry Genetics
Classification: Benign for Cardiovascular phenotype. Last evaluated: 2015-07-15. Review status: criteria provided, single submitter. Criteria: Ambry Variant Classification Scheme 2023. Collection method: clinical testing. Allele origin: germline.

Genomic Diagnostic Laboratory, Division of Genomic Diagnostics, Children's Hospital of Philadelphia
Classification: Likely benign for Long QT syndrome 2. Last evaluated: 2015-04-14. Review status: criteria provided, single submitter. Criteria: DGD Variant Analysis Guidelines. Collection method: clinical testing. Allele origin: unknown.

GeneDx
Classification: Benign. Last evaluated: 2015-03-03. Review status: criteria provided, single submitter. Criteria: GeneDx Variant Classification Process June 2021. Collection method: clinical testing. Allele origin: germline. Affected: yes.

Literature cited by the submitters: PubMed 30086531 (cited by Athena Diagnostics).